The following is an entry in ClinVar:

NM_001903.5(CTNNA1):c.239C>T (p.Ala80Val)

Gene: CTNNA1 (catenin alpha 1; plus strand). Cytogenetic location: 5q31.2.
Variant type: single nucleotide variant.
Coding change: c.239C>T on transcript NM_001903.5 (MANE Select); coding-DNA position 239, C replaced by T.
Protein change: p.Ala80Val; replaces alanine 80 with valine.
Molecular consequence: missense variant. On other transcripts: intron variant (2).
Genome position (GRCh38, 1-based): chr5:138,783,310, C>T. VCF-style: chr5-138783310-C-T. GRCh37 (hg19) VCF-style: chr5-138118999-C-T.
Other names: c.239C>T, p.Ala80Val (NM_001290307.3, NM_001323982.2, NM_001323983.1 and 3 more transcripts); c.-6+38C>T (NM_001290310.3); c.-9+1281C>T (NM_001290309.3); short protein forms A80V.
Identifiers: ClinVar variation 663280 (VCV000663280.15), dbSNP rs200135015, ClinGen allele CA3431381.

ClinVar aggregate classification (germline): Conflicting classifications of pathogenicity. Review status: criteria provided, conflicting classifications (1 of 4 stars). 3 submissions from 3 submitters: Uncertain significance (2); Likely benign (1). Last evaluated 2025-11-11.

Conditions:
Hereditary cancer-predisposing syndrome. Also called: Hereditary Cancer Syndrome; Hereditary neoplastic syndrome; Tumor predisposition; Neoplastic Syndromes, Hereditary. Identifiers: Orphanet 140162, MedGen C0027672, MeSH D009386, MONDO:0015356.

Allele frequency attached by ClinVar (database versions not stated): TOPMed 0.00005; 1000 Genomes Project 30x 0.00016; 1000 Genomes Project 0.00020; gnomAD exomes 0.00001.
gnomAD v4.1: 15 of 1,613,946 alleles (0.00093%); highest among the groups gnomAD compares: East Asian, 0.0045%; no homozygotes.

Submissions (3):

Labcorp Genetics (formerly Invitae), Labcorp
Classification: Uncertain significance. Last evaluated: 2025-11-11. Review status: criteria provided, single submitter. Criteria: Invitae Variant Classification Sherloc (09022015). Collection method: clinical testing. Allele origin: germline.
Comment: This sequence change replaces alanine, which is neutral and non-polar, with valine, which is neutral and non-polar, at codon 80 of the CTNNA1 protein (p.Ala80Val). This variant is present in population databases (rs200135015, gnomAD 0.006%). This variant has not been reported in the literature in individuals affected with CTNNA1-related conditions. ClinVar contains an entry for this variant (Variation ID: 663280). Invitae Evidence Modeling of protein sequence and biophysical properties (such as structural, functional, and spatial information, amino acid conservation, physicochemical variation, residue mobility, and thermodynamic stability) indicates that this missense variant is not expected to disrupt CTNNA1 protein function with a negative predictive value of 80%. In summary, the available evidence is currently insufficient to determine the role of this variant in disease. Therefore, it has been classified as a Variant of Uncertain Significance.

Ambry Genetics
Classification: Likely benign for Hereditary cancer-predisposing syndrome. Last evaluated: 2024-06-25. Review status: criteria provided, single submitter. Criteria: Ambry Variant Classification Scheme 2023. Collection method: clinical testing. Allele origin: germline.

GeneDx
Classification: Uncertain significance. Last evaluated: 2024-01-29. Review status: criteria provided, single submitter. Criteria: GeneDx Variant Classification Process June 2021. Collection method: clinical testing. Allele origin: germline.
Comment: Not observed at significant frequency in large population cohorts (gnomAD); In silico analysis supports that this missense variant has a deleterious effect on protein structure/function; Observed in individuals undergoing multi-gene hereditary cancer panel testing (PMID: 32051609); This variant is associated with the following publications: (PMID: 32051609)